The following is an entry in ClinVar:

NM_002187.3(IL12B):c.643G>A (p.Val215Ile)

Gene: IL12B (interleukin 12B; minus strand). Cytogenetic location: 5q33.3.
Variant type: single nucleotide variant.
Coding change: c.643G>A on transcript NM_002187.3 (MANE Select); coding-DNA position 643, G replaced by A.
Protein change: p.Val215Ile; replaces valine 215 with isoleucine.
Molecular consequence: missense variant.
Genome position (GRCh38, 1-based): chr5:159,320,360, C>T on the plus strand (G>A on the coding strand, the complement: IL12B is on the minus strand). VCF-style: chr5-159320360-C-T. GRCh37 (hg19) VCF-style: chr5-158747368-C-T.
Other names: short protein forms V215I.
Identifiers: ClinVar variation 904895 (VCV000904895.12), dbSNP rs79446920, ClinGen allele CA3538752.

ClinVar aggregate classification (germline): Conflicting classifications of pathogenicity. Review status: criteria provided, conflicting classifications (1 of 4 stars). 3 submissions from 3 submitters: Uncertain significance (2); Likely benign (1). Last evaluated 2023-01-23.

Conditions:
Inborn genetic diseases. Identifiers: MedGen C0950123, MeSH D030342.
Mendelian susceptibility to mycobacterial diseases due to complete IL12B deficiency. Also called: IL12B DEFICIENCY; Immunodeficiency 29. Identifiers: Orphanet 319558, MedGen C4013948, MONDO:0013954, OMIM 614890.

Allele frequency attached by ClinVar (database versions not stated): ExAC 0.00004; gnomAD 0.00004; gnomAD exomes 0.00004; TOPMed 0.00005; ESP Exome Variant Server 0.00015; 1000 Genomes Project 30x 0.00016; 1000 Genomes Project 0.00020.
gnomAD v4.1: 69 of 1,614,128 alleles (0.0043%); highest among the groups gnomAD compares: Non-Finnish European, 0.0052%; no homozygotes.

Submissions (3):

Labcorp Genetics (formerly Invitae), Labcorp
Classification: Uncertain significance for Mendelian susceptibility to mycobacterial diseases due to complete IL12B deficiency. Last evaluated: 2023-01-23. Review status: criteria provided, single submitter. Criteria: Invitae Variant Classification Sherloc (09022015). Collection method: clinical testing. Allele origin: germline.
Comment: This sequence change replaces valine, which is neutral and non-polar, with isoleucine, which is neutral and non-polar, at codon 215 of the IL12B protein (p.Val215Ile). In summary, the available evidence is currently insufficient to determine the role of this variant in disease. Therefore, it has been classified as a Variant of Uncertain Significance. Advanced modeling of protein sequence and biophysical properties (such as structural, functional, and spatial information, amino acid conservation, physicochemical variation, residue mobility, and thermodynamic stability) performed at Invitae indicates that this missense variant is not expected to disrupt IL12B protein function. ClinVar contains an entry for this variant (Variation ID: 904895). This variant has not been reported in the literature in individuals affected with IL12B-related conditions. This variant is present in population databases (rs79446920, gnomAD 0.01%).

Ambry Genetics
Classification: Likely benign for Inborn genetic diseases. Last evaluated: 2022-12-05. Review status: criteria provided, single submitter. Criteria: Ambry Variant Classification Scheme 2023. Collection method: clinical testing. Allele origin: germline.

Illumina Laboratory Services, Illumina
Classification: Uncertain significance for Mendelian susceptibility to mycobacterial diseases due to complete IL12B deficiency. Last evaluated: 2018-01-15. Review status: criteria provided, single submitter. Criteria: ICSL Variant Classification Criteria 13 December 2019. Collection method: clinical testing. Allele origin: germline.